The following is an entry in ClinVar:

ClinVar aggregate classification (germline): Likely pathogenic (1 of 4 stars; one submission).

Submission:

Labcorp Genetics (formerly Invitae), Labcorp
Classification: Likely pathogenic. Last evaluated: 2024-03-26. Review status: criteria provided, single submitter. Criteria: Invitae Variant Classification Sherloc (09022015). Collection method: clinical testing. Allele origin: germline.
Comment: This sequence change affects a donor splice site in intron 4 of the TBX20 gene. It is expected to disrupt RNA splicing. Variants that disrupt the donor or acceptor splice site typically lead to a loss of protein function (PMID: 16199547), and loss-of-function variants in TBX20 are known to be pathogenic (PMID: 15901664, 25625280, 26118961, 27510170). This variant is not present in population databases (gnomAD no frequency). This variant has not been reported in the literature in individuals affected with TBX20-related conditions. ClinVar contains an entry for this variant (Variation ID: 2010490). Algorithms developed to predict the effect of sequence changes on RNA splicing suggest that this variant may disrupt the consensus splice site. In summary, the currently available evidence indicates that the variant is pathogenic, but additional data are needed to prove that conclusively. Therefore, this variant has been classified as Likely Pathogenic.

Literature cited by the submitters: PubMed 16199547; PubMed 15901664; PubMed 25625280; PubMed 26118961; PubMed 27510170.

NM_001077653.2(TBX20):c.654+1G>T

Gene: TBX20 (T-box transcription factor 20; minus strand). Cytogenetic location: 7p14.2.
Variant type: single nucleotide variant.
Coding change: c.654+1G>T on transcript NM_001077653.2 (MANE Select); the canonical splice donor site of the intron after coding-DNA position 654, G replaced by T.
Molecular consequence: splice donor variant.
Genome position (GRCh38, 1-based): chr7:35,244,948, C>A on the plus strand (G>T on the coding strand, the complement: TBX20 is on the minus strand). VCF-style: chr7-35244948-C-A. GRCh37 (hg19) VCF-style: chr7-35284560-C-A.
Other names: c.654+1G>T (NM_001166220.1).
Identifiers: ClinVar variation 2010490 (VCV002010490.4), dbSNP rs2546994664, ClinGen allele CA367264256.